The following is an entry in ClinVar:

NM_177438.3(DICER1):c.5013G>C (p.Lys1671Asn)

Gene: DICER1 (dicer 1, ribonuclease III; minus strand). Cytogenetic location: 14q32.13.
Variant type: single nucleotide variant.
Coding change: c.5013G>C on transcript NM_177438.3 (MANE Select); coding-DNA position 5013, G replaced by C.
Protein change: p.Lys1671Asn; replaces lysine 1671 with asparagine.
Molecular consequence: missense variant.
Genome position (GRCh38, 1-based): chr14:95,095,907, C>G on the plus strand (G>C on the coding strand, the complement: DICER1 is on the minus strand). VCF-style: chr14-95095907-C-G. GRCh37 (hg19) VCF-style: chr14-95562244-C-G.
Other names: c.5013G>C, p.Lys1671Asn (NM_001195573.1, NM_001271282.3, NM_001291628.2 and 1 more transcripts); short protein forms K1671N.
Identifiers: ClinVar variation 543632 (VCV000543632.16), dbSNP rs751819396, ClinGen allele CA7330758.

ClinVar aggregate classification (germline): Uncertain significance. Review status: criteria provided, multiple submitters, no conflicts (2 of 4 stars). 4 submissions from 4 submitters: Uncertain significance (4). Last evaluated 2025-09-10.

Conditions:
Hereditary cancer-predisposing syndrome. Also called: Neoplastic Syndromes, Hereditary; Tumor predisposition; Hereditary Cancer Syndrome; Hereditary neoplastic syndrome. Identifiers: Orphanet 140162, MedGen C0027672, MeSH D009386, MONDO:0015356.
Global developmental delay - lung cysts - overgrowth - Wilms tumor syndrome. Also called: GLOBAL DEVELOPMENTAL DELAY, LUNG CYSTS, OVERGROWTH, AND WILMS TUMOR; GLOW Syndrome. Identifiers: Orphanet 404476, MedGen C4748924, MONDO:0018445, OMIM 618272.
DICER1-related tumor predisposition. Also called: DICER1-related pleuropulmonary blastoma cancer predisposition syndrome; DICER1 syndrome. Identifiers: Orphanet 284343, MedGen C3839822, MONDO:0100216.

Allele frequency attached by ClinVar (database versions not stated): gnomAD exomes below 0.00001; ExAC 0.00001.
gnomAD v4.1: 2 of 1,613,996 alleles (0.00012%); highest among the groups gnomAD compares: Admixed American, 0.0033%; no homozygotes.

Submissions (4):

Quest Diagnostics Nichols Institute San Juan Capistrano
Classification: Uncertain significance. Last evaluated: 2025-09-10. Review status: criteria provided, single submitter. Criteria: Quest Diagnostics criteria. Collection method: clinical testing. Allele origin: unknown.
Comment: The DICER1 c.5013G>C (p.Lys1671Asn) variant has not been reported in individuals with DICER1-related conditions in the published literature. The frequency of this variant in the general population (Genome Aggregation Database) is uninformative in the assessment of its pathogenicity. Analysis of this variant using bioinformatics tools for the prediction of the effect of amino acid changes on protein structure and function yielded predictions that this variant is benign. Based on the available information, we are unable to determine the clinical significance of this variant.

Labcorp Genetics (formerly Invitae), Labcorp
Classification: Uncertain significance for DICER1-related tumor predisposition. Last evaluated: 2025-08-24. Review status: criteria provided, single submitter. Criteria: Invitae Variant Classification Sherloc (09022015). Collection method: clinical testing. Allele origin: germline.
Comment: This sequence change replaces lysine, which is basic and polar, with asparagine, which is neutral and polar, at codon 1671 of the DICER1 protein (p.Lys1671Asn). This variant is present in population databases (rs751819396, gnomAD 0.003%). This variant has not been reported in the literature in individuals affected with DICER1-related conditions. ClinVar contains an entry for this variant (Variation ID: 543632). Invitae Evidence Modeling of protein sequence and biophysical properties (such as structural, functional, and spatial information, amino acid conservation, physicochemical variation, residue mobility, and thermodynamic stability) indicates that this missense variant is not expected to disrupt DICER1 protein function with a negative predictive value of 95%. In summary, the available evidence is currently insufficient to determine the role of this variant in disease. Therefore, it has been classified as a Variant of Uncertain Significance.

Ambry Genetics
Classification: Uncertain significance for Hereditary cancer-predisposing syndrome. Last evaluated: 2024-12-05. Review status: criteria provided, single submitter. Criteria: Ambry Variant Classification Scheme 2023. Collection method: clinical testing. Allele origin: germline.
Comment: The p.K1671N variant (also known as c.5013G>C), located in coding exon 22 of the DICER1 gene, results from a G to C substitution at nucleotide position 5013. The lysine at codon 1671 is replaced by asparagine, an amino acid with similar properties. This amino acid position is not well conserved in available vertebrate species. In addition, this alteration is predicted to be tolerated by in silico analysis. Based on the available evidence, the clinical significance of this variant remains unclear.

Baylor Genetics
Classification: Uncertain significance for Global developmental delay - lung cysts - overgrowth - Wilms tumor syndrome. Last evaluated: 2024-02-26. Review status: criteria provided, single submitter. Criteria: ACMG Guidelines, 2015. Collection method: clinical testing. Allele origin: unknown.